The following is an entry in ClinVar:

NM_006421.5(ARFGEF1):c.38C>T (p.Thr13Ile)

Gene: ARFGEF1 (ARF guanine nucleotide exchange factor 1; minus strand). Cytogenetic location: 8q13.2.
Variant type: single nucleotide variant.
Coding change: c.38C>T on transcript NM_006421.5 (MANE Select); coding-DNA position 38, C replaced by T.
Protein change: p.Thr13Ile; replaces threonine 13 with isoleucine.
Molecular consequence: missense variant. On other transcripts: 5 prime UTR variant (4), non-coding transcript variant (1).
Genome position (GRCh38, 1-based): chr8:67,343,250, G>A on the plus strand (C>T on the coding strand, the complement: ARFGEF1 is on the minus strand). VCF-style: chr8-67343250-G-A. GRCh37 (hg19) VCF-style: chr8-68255485-G-A.
Other names: c.38C>T, p.Thr13Ile (NM_001413184.1, NM_001413185.1, NM_001413186.1 and 7 more transcripts); c.-553C>T (NM_001413188.1); c.-599C>T (NM_001413193.1); c.-1078C>T (NM_001413196.1); c.-532C>T (NM_001413197.1); short protein forms T13I.
Identifiers: ClinVar variation 2593692 (VCV002593692.2), dbSNP rs2536517709, ClinGen allele CA371253474.

ClinVar aggregate classification (germline): Uncertain significance (1 of 4 stars; one submission).

Conditions:
Inborn genetic diseases. Identifiers: MedGen C0950123, MeSH D030342.

gnomAD v4.1: 1 of 1,613,980 alleles (0.000062%); highest among the groups gnomAD compares: Non-Finnish European, 0.000085%; no homozygotes.

Submission:

Ambry Genetics
Classification: Uncertain significance for Inborn genetic diseases. Last evaluated: 2023-09-07. Review status: criteria provided, single submitter. Criteria: Ambry Variant Classification Scheme 2023. Collection method: clinical testing. Allele origin: germline.
Comment: The c.38C>T (p.T13I) alteration is located in exon 1 (coding exon 1) of the ARFGEF1 gene. This alteration results from a C to T substitution at nucleotide position 38, causing the threonine (T) at amino acid position 13 to be replaced by an isoleucine (I). This variant was not reported in population-based cohorts in the Genome Aggregation Database (gnomAD). This amino acid position is highly conserved in available vertebrate species. This alteration is predicted to be tolerated by in silico analysis. Based on insufficient or conflicting evidence, the clinical significance of this alteration remains unclear.